The following is an entry in ClinVar:

NM_000038.6(APC):c.8507G>A (p.Gly2836Glu)

Gene: APC (APC regulator of Wnt signaling pathway; plus strand). Cytogenetic location: 5q22.2.
Variant type: single nucleotide variant.
Coding change: c.8507G>A on transcript NM_000038.6 (MANE Select); coding-DNA position 8507, G replaced by A.
Protein change: p.Gly2836Glu; replaces glycine 2836 with glutamic acid.
Molecular consequence: missense variant.
Genome position (GRCh38, 1-based): chr5:112,844,101, G>A. VCF-style: chr5-112844101-G-A. GRCh37 (hg19) VCF-style: chr5-112179798-G-A.
Other names: c.8507G>A, p.Gly2836Glu (NM_001127510.3, NM_001354895.2); c.8453G>A, p.Gly2818Glu (NM_001127511.3); c.8561G>A, p.Gly2854Glu (NM_001354896.2); c.8537G>A, p.Gly2846Glu (NM_001354897.2); c.8432G>A, p.Gly2811Glu (NM_001354898.2); c.8423G>A, p.Gly2808Glu (NM_001354899.2); c.8384G>A, p.Gly2795Glu (NM_001354900.2); c.8330G>A, p.Gly2777Glu (NM_001354901.2); and 5 more; short protein forms G2777E, G2811E, G2818E, G2854E, G2553E, G2676E, G2710E, G2735E.
Identifiers: ClinVar variation 656373 (VCV000656373.12), dbSNP rs1580694352, ClinGen allele CA16039785.
Genomic context (GRCh38, chr5:112,844,101, plus strand): 5'-GAGATTCCAAAACTGACAGCACAGAATCCAGTGGAACCCAAAGTCCTAAGCGCCATTCTG[G>A]GTCTTACCTTGTGACATCTGTTTAAAAGAGAGGAAGAATGAAACTAAGAAAATTCTATGT-3'
Protein context (NP_000029.2, residues 2826-2843): SGTQSPKRHS[Gly2836Glu]SYLVTSV

ClinVar aggregate classification (germline): Uncertain significance. Review status: criteria provided, multiple submitters, no conflicts (2 of 4 stars). 3 submissions from 3 submitters: Uncertain significance (3). Last evaluated 2025-07-10.

Conditions:
Hereditary cancer-predisposing syndrome. Also called: Hereditary neoplastic syndrome; Tumor predisposition; Neoplastic Syndromes, Hereditary; Hereditary Cancer Syndrome. Identifiers: Orphanet 140162, MedGen C0027672, MeSH D009386, MONDO:0015356.
Familial adenomatous polyposis 1 (FAP1). Also called: FAMILIAL ADENOMATOUS POLYPOSIS 1, ATTENUATED; POLYPOSIS, ADENOMATOUS INTESTINAL. Identifiers: MedGen C2713442, MONDO:0021056, OMIM 175100. Disease mechanism: loss of function.

Submissions (3):

Ambry Genetics
Classification: Uncertain significance for Hereditary cancer-predisposing syndrome. Last evaluated: 2025-07-10. Review status: criteria provided, single submitter. Criteria: Ambry Variant Classification Scheme 2023. Collection method: clinical testing. Allele origin: germline.
Comment: The p.G2836E variant (also known as c.8507G>A), located in coding exon 15 of the APC gene, results from a G to A substitution at nucleotide position 8507. The glycine at codon 2836 is replaced by glutamic acid, an amino acid with similar properties. This amino acid position is conserved. In addition, in silico predictors for this gene do not accurately predict pathogenicity. Based on the available evidence, the clinical significance of this variant remains unclear.

Color Diagnostics, LLC DBA Color Health
Classification: Uncertain significance for Hereditary cancer-predisposing syndrome. Last evaluated: 2024-03-06. Review status: criteria provided, single submitter. Criteria: ACMG Guidelines, 2015. Collection method: clinical testing. Allele origin: germline.
Comment: This missense variant replaces glycine with glutamic acid at codon 2836 of the APC protein. Computational prediction suggests that this variant may have deleterious impact on protein structure and function (internally defined REVEL score threshold >= 0.7, PMID: 27666373). To our knowledge, functional studies have not been reported for this variant. This variant has not been reported in individuals affected with hereditary cancer in the literature. This variant has not been identified in the general population by the Genome Aggregation Database (gnomAD). The available evidence is insufficient to determine the role of this variant in disease conclusively. Therefore, this variant is classified as a Variant of Uncertain Significance.

Labcorp Genetics (formerly Invitae), Labcorp
Classification: Uncertain significance for Familial adenomatous polyposis 1. Last evaluated: 2023-05-31. Review status: criteria provided, single submitter. Criteria: Invitae Variant Classification Sherloc (09022015). Collection method: clinical testing. Allele origin: germline.
Comment: This variant is not present in population databases (gnomAD no frequency). This sequence change replaces glycine, which is neutral and non-polar, with glutamic acid, which is acidic and polar, at codon 2836 of the APC protein (p.Gly2836Glu). This variant has not been reported in the literature in individuals affected with APC-related conditions. ClinVar contains an entry for this variant (Variation ID: 656373). Advanced modeling of protein sequence and biophysical properties (such as structural, functional, and spatial information, amino acid conservation, physicochemical variation, residue mobility, and thermodynamic stability) performed at Invitae indicates that this missense variant is not expected to disrupt APC protein function. In summary, the available evidence is currently insufficient to determine the role of this variant in disease. Therefore, it has been classified as a Variant of Uncertain Significance.